The following is an entry in ClinVar:

NM_001270974.2(HYDIN):c.12130-5G>C

Gene: HYDIN (HYDIN axonemal central pair apparatus protein; minus strand). Cytogenetic location: 16q22.2.
Variant type: single nucleotide variant.
Coding change: c.12130-5G>C on transcript NM_001270974.2 (MANE Select); 5 bases into the intron before coding-DNA position 12130, G replaced by C.
Molecular consequence: intron variant.
Genome position (GRCh38, 1-based): chr16:70,857,875, C>G on the plus strand (G>C on the coding strand, the complement: HYDIN is on the minus strand). VCF-style: chr16-70857875-C-G. GRCh37 (hg19) VCF-style: chr16-70891778-C-G.
Identifiers: ClinVar variation 3391310 (VCV003391310.2).
Genomic context (GRCh38, chr16:70,857,875, plus strand): 5'-AAGGTCCATGATGACTCAGTGATGCCCAGATGGAAAGGTGTGAACTGGAACACGATCTAA[C>G]AAGACAATTTGGAACAGAGTGGTAAAAGACACTTCTGTATGCTTACTCCACATGTCCCTG-3'

ClinVar aggregate classification (germline): Conflicting classifications of pathogenicity. Review status: criteria provided, conflicting classifications (1 of 4 stars). 2 submissions from 2 submitters: Uncertain significance (1); Likely benign (1). Last evaluated 2024-11-26.

Conditions:
Primary ciliary dyskinesia 5. Also called: CILIARY DYSKINESIA, PRIMARY, 5, WITHOUT SITUS INVERSUS. Identifiers: Orphanet 244, MedGen C1837615, MONDO:0012088, OMIM 608647.

Submissions (2):

Blueprint Genetics
Classification: Likely benign. Last evaluated: 2024-11-26. Review status: criteria provided, single submitter. Criteria: ACMG Guidelines, 2015. Collection method: clinical testing. Allele origin: germline.

Neuberg Centre For Genomic Medicine, NCGM
Classification: Uncertain significance for Primary ciliary dyskinesia 5. Review status: criteria provided, single submitter. Criteria: ACMG Guidelines, 2015. Collection method: clinical testing. Allele origin: germline. Inheritance: Autosomal recessive inheritance. Affected: yes.
Comment: The observed splice region variant c.12130-5G>C in the HYDIN gene has not been reported previously as a pathogenic variant nor as a benign variant, to our knowledge. This variant is reported with the allele frequency 0.001% in the gnomAD Exomes. This splice region variant in intron 71 affects the position five nucleotides upstream of exon 72. For these reasons, this variant has been classified as Uncertain Significance VUS.